The following is an entry in ClinVar:

NM_130797.4(DPP6):c.457+9A>G

Gene: DPP6 (dipeptidyl peptidase like 6; plus strand). Cytogenetic location: 7q36.2.
Variant type: single nucleotide variant.
Coding change: c.457+9A>G on transcript NM_130797.4 (MANE Select); 9 bases into the intron after coding-DNA position 457, A replaced by G.
Molecular consequence: intron variant.
Genome position (GRCh38, 1-based): chr7:154,475,046, A>G. VCF-style: chr7-154475046-A-G. GRCh37 (hg19) VCF-style: chr7-154172131-A-G.
Other names: c.274+9A>G (NM_001364500.2, NM_001364499.2, NM_001364497.2 and 1 more transcripts); c.265+9A>G (NM_001364501.2, NM_001039350.3); c.457+9A>G (NM_001290253.2); c.271+9A>G (NM_001936.5, NM_001290252.2, NM_001364502.2).
Identifiers: ClinVar variation 3050495 (VCV003050495.2), dbSNP rs370973628, ClinGen allele CA1754137384.

ClinVar aggregate classification (germline): Likely benign (0 of 4 stars; one submission).

Conditions:
DPP6-related disorder. Also called: DPP6-related condition.

Allele frequency attached by ClinVar (database versions not stated): gnomAD exomes below 0.00001.
gnomAD v4.1: 1 of 1,606,018 alleles (0.000062%); highest among the groups gnomAD compares: Non-Finnish European, 0.000085%; no homozygotes.

Submission:

PreventionGenetics, part of Exact Sciences
Classification: Likely benign for DPP6-related condition. Last evaluated: 2019-07-25. Review status: no assertion criteria provided. Collection method: clinical testing. Allele origin: germline.
Comment: This variant is classified as likely benign based on ACMG/AMP sequence variant interpretation guidelines (Richards et al. 2015 PMID: 25741868, with internal and published modifications).